The following is an entry in ClinVar:

ClinVar aggregate classification (germline): Likely benign (1 of 4 stars; one submission).

gnomAD v4.1: 58 of 1,613,872 alleles (0.0036%); highest among the groups gnomAD compares: Non-Finnish European, 0.0046%; no homozygotes.

Submission:

CeGaT Center for Human Genetics Tuebingen
Classification: Likely benign. Last evaluated: 2025-11-01. Review status: criteria provided, single submitter. Criteria: CeGaT Center For Human Genetics Tuebingen Variant Classification Criteria Version 2. Collection method: clinical testing. Allele origin: germline. Affected: yes. Observed: 1 variant allele.
Comment: COG2: BP4, BP7

NM_007357.3(COG2):c.642C>T (p.Leu214=)

Gene: COG2 (component of oligomeric golgi complex 2; plus strand). Cytogenetic location: 1q42.2.
Variant type: single nucleotide variant.
Coding change: c.642C>T on transcript NM_007357.3 (MANE Select); coding-DNA position 642, C replaced by T.
Protein change: p.Leu214=; no amino-acid change (leucine 214 retained).
Molecular consequence: synonymous variant.
Genome position (GRCh38, 1-based): chr1:230,669,403, C>T. VCF-style: chr1-230669403-C-T. GRCh37 (hg19) VCF-style: chr1-230805149-C-T.
Other names: c.642C>T, p.Leu214= (NM_001145036.2).
Identifiers: ClinVar variation 4534162 (VCV004534162.6).